The following is an entry in ClinVar:

NM_172351.3(CD46):c.277G>T (p.Ala93Ser)

Gene: CD46 (CD46 molecule; plus strand). Cytogenetic location: 1q32.2.
Variant type: single nucleotide variant.
Coding change: c.277G>T on transcript NM_172351.3 (MANE Select); coding-DNA position 277, G replaced by T.
Protein change: p.Ala93Ser; replaces alanine 93 with serine.
Molecular consequence: missense variant.
Genome position (GRCh38, 1-based): chr1:207,757,193, G>T. VCF-style: chr1-207757193-G-T. GRCh37 (hg19) VCF-style: chr1-207930538-G-T.
Other names: c.277G>T, p.Ala93Ser (NM_002389.4, NM_153826.4, NM_172350.3 and 8 more transcripts); short protein forms A93S.
Identifiers: ClinVar variation 1951302 (VCV001951302.5), dbSNP rs547298394, ClinGen allele CA344548295.

ClinVar aggregate classification (germline): Uncertain significance (1 of 4 stars; one submission).

Submission:

Labcorp Genetics (formerly Invitae), Labcorp
Classification: Uncertain significance. Last evaluated: 2022-09-16. Review status: criteria provided, single submitter. Criteria: Invitae Variant Classification Sherloc (09022015). Collection method: clinical testing. Allele origin: germline.
Comment: Advanced modeling of protein sequence and biophysical properties (such as structural, functional, and spatial information, amino acid conservation, physicochemical variation, residue mobility, and thermodynamic stability) performed at Invitae indicates that this missense variant is not expected to disrupt CD46 protein function. This sequence change replaces alanine, which is neutral and non-polar, with serine, which is neutral and polar, at codon 93 of the CD46 protein (p.Ala93Ser). This variant is not present in population databases (gnomAD no frequency). This variant has not been reported in the literature in individuals affected with CD46-related conditions. In summary, the available evidence is currently insufficient to determine the role of this variant in disease. Therefore, it has been classified as a Variant of Uncertain Significance.